The following is an entry in ClinVar:

NM_144997.7(FLCN):c.1087A>C (p.Met363Leu)

Gene: FLCN (folliculin; minus strand). Cytogenetic location: 17p11.2.
Variant type: single nucleotide variant.
Coding change: c.1087A>C on transcript NM_144997.7 (MANE Select); coding-DNA position 1087, A replaced by C.
Protein change: p.Met363Leu; replaces methionine 363 with leucine.
Molecular consequence: missense variant.
Genome position (GRCh38, 1-based): chr17:17,217,158, T>G on the plus strand (A>C on the coding strand, the complement: FLCN is on the minus strand). VCF-style: chr17-17217158-T-G. GRCh37 (hg19) VCF-style: chr17-17120472-T-G.
Other names: c.1141A>C, p.Met381Leu (NM_001353229.2); c.1087A>C, p.Met363Leu (NM_001353230.2, NM_001353231.2); short protein forms M381L, M363L.
Identifiers: ClinVar variation 5021870 (VCV005021870.1).

ClinVar aggregate classification (germline): Uncertain significance (1 of 4 stars; one submission).

Conditions:
Hereditary cancer-predisposing syndrome. Also called: Neoplastic Syndromes, Hereditary; Tumor predisposition; Hereditary neoplastic syndrome; Hereditary Cancer Syndrome. Identifiers: Orphanet 140162, MedGen C0027672, MeSH D009386, MONDO:0015356.

Submission:

Ambry Genetics
Classification: Uncertain significance for Hereditary cancer-predisposing syndrome. Last evaluated: 2026-08-08. Review status: criteria provided, single submitter. Criteria: Ambry Variant Classification Scheme 2023. Collection method: clinical testing. Allele origin: germline.
Comment: The p.M363L variant (also known as c.1087A>C), located in coding exon 7 of the FLCN gene, results from an A to C substitution at nucleotide position 1087. The methionine at codon 363 is replaced by leucine, an amino acid with highly similar properties. This amino acid position is conserved. In addition, this alteration is predicted to be tolerated by in silico analysis. Based on the available evidence, the clinical significance of this variant remains unclear.